The following is an entry in ClinVar:

ClinVar aggregate classification (germline): Benign (0 of 4 stars; one submission).

Conditions:
DNAH17-related disorder. Also called: DNAH17-related condition.

Allele frequency attached by ClinVar (database versions not stated): ESP Exome Variant Server 0.00700; 1000 Genomes Project 0.00779; 1000 Genomes Project 30x 0.00843.
gnomAD v4.1: 2,052 of 1,613,706 alleles (0.13%); highest among the groups gnomAD compares: African/African-American, 2.1%; 22 homozygotes.

Submission:

PreventionGenetics, part of Exact Sciences
Classification: Benign for DNAH17-related condition. Last evaluated: 2019-12-27. Review status: no assertion criteria provided. Collection method: clinical testing. Allele origin: germline.
Comment: This variant is classified as benign based on ACMG/AMP sequence variant interpretation guidelines (Richards et al. 2015 PMID: 25741868, with internal and published modifications).

NM_173628.4(DNAH17):c.9174+10G>T

Gene: DNAH17 (dynein axonemal heavy chain 17; minus strand). Cytogenetic location: 17q25.3.
Variant type: single nucleotide variant.
Coding change: c.9174+10G>T on transcript NM_173628.4 (MANE Select); 10 bases into the intron after coding-DNA position 9174, G replaced by T.
Molecular consequence: intron variant.
Genome position (GRCh38, 1-based): chr17:78,462,834, C>A on the plus strand (G>T on the coding strand, the complement: DNAH17 is on the minus strand). VCF-style: chr17-78462834-C-A. GRCh37 (hg19) VCF-style: chr17-76458916-C-A.
Identifiers: ClinVar variation 3042349 (VCV003042349.2), dbSNP rs113940612, ClinGen allele CA8801482.